The following is an entry in ClinVar:

ClinVar aggregate classification (germline): Conflicting classifications of pathogenicity. Review status: criteria provided, conflicting classifications (1 of 4 stars). 2 submissions from 2 submitters: Uncertain significance (1); Likely benign (1). Last evaluated 2025-11-20.

Conditions:
Inborn genetic diseases. Identifiers: MedGen C0950123, MeSH D030342.

Allele frequency attached by ClinVar (database versions not stated): ExAC 0.00002; gnomAD 0.00001; gnomAD exomes 0.00001; TOPMed 0.00001.
gnomAD v4.1: 9 of 1,613,964 alleles (0.00056%); highest among the groups gnomAD compares: African/African-American, 0.0013%; no homozygotes.

Submissions (2):

Ambry Genetics
Classification: Likely benign for Inborn genetic diseases. Last evaluated: 2025-11-20. Review status: criteria provided, single submitter. Criteria: Ambry Variant Classification Scheme 2023. Collection method: clinical testing. Allele origin: germline.

Labcorp Genetics (formerly Invitae), Labcorp
Classification: Uncertain significance. Last evaluated: 2021-08-28. Review status: criteria provided, single submitter. Criteria: Invitae Variant Classification Sherloc (09022015). Collection method: clinical testing. Allele origin: germline.
Comment: This sequence change replaces glutamic acid with aspartic acid at codon 467 of the LRP2 protein (p.Glu467Asp). The glutamic acid residue is weakly conserved and there is a small physicochemical difference between glutamic acid and aspartic acid. This variant is present in population databases (rs776298973, ExAC 0.003%). This variant has not been reported in the literature in individuals affected with LRP2-related conditions. Algorithms developed to predict the effect of missense changes on protein structure and function output the following: SIFT: "Tolerated"; PolyPhen-2: "Benign"; Align-GVGD: "Class C0". The aspartic acid amino acid residue is found in multiple mammalian species, which suggests that this missense change does not adversely affect protein function. In summary, the available evidence is currently insufficient to determine the role of this variant in disease. Therefore, it has been classified as a Variant of Uncertain Significance.

NM_004525.3(LRP2):c.1401A>C (p.Glu467Asp)

Gene: LRP2 (LDL receptor related protein 2; minus strand). Cytogenetic location: 2q31.1.
Variant type: single nucleotide variant.
Coding change: c.1401A>C on transcript NM_004525.3 (MANE Select); coding-DNA position 1401, A replaced by C.
Protein change: p.Glu467Asp; replaces glutamic acid 467 with aspartic acid.
Molecular consequence: missense variant.
Genome position (GRCh38, 1-based): chr2:169,279,536, T>G on the plus strand (A>C on the coding strand, the complement: LRP2 is on the minus strand). VCF-style: chr2-169279536-T-G. GRCh37 (hg19) VCF-style: chr2-170136046-T-G.
Other names: c.1401A>C (NM_004525.2); short protein forms E467D.
Identifiers: ClinVar variation 1462705 (VCV001462705.6), dbSNP rs776298973, ClinGen allele CA1955568.